The following is an entry in ClinVar:

NM_053013.4(ENO3):c.151G>T (p.Asp51Tyr)

Gene: ENO3 (enolase 3; plus strand). Cytogenetic location: 17p13.2.
Variant type: single nucleotide variant.
Coding change: c.151G>T on transcript NM_053013.4 (MANE Select); coding-DNA position 151, G replaced by T.
Protein change: p.Asp51Tyr; replaces aspartic acid 51 with tyrosine.
Molecular consequence: missense variant.
Genome position (GRCh38, 1-based): chr17:4,952,860, G>T. VCF-style: chr17-4952860-G-T. GRCh37 (hg19) VCF-style: chr17-4856155-G-T.
Other names: c.151G>T, p.Asp51Tyr (NM_001193503.2, NM_001374523.1, NM_001976.5); c.178G>T, p.Asp60Tyr (NM_001374524.1); short protein forms D51Y, D60Y.
Identifiers: ClinVar variation 1975190 (VCV001975190.5), dbSNP rs2507705901, ClinGen allele CA397284452.

ClinVar aggregate classification (germline): Uncertain significance (1 of 4 stars; one submission).

Conditions:
Glycogen storage disease due to muscle beta-enolase deficiency (GSD13). Also called: ENOLASE 3 DEFICIENCY; ENOLASE-BETA DEFICIENCY; GSD XIII; Glycogen Storage Disease Type XIII. Identifiers: Orphanet 99849, MedGen C2752027, MONDO:0013046, OMIM 612932.

Submission:

Labcorp Genetics (formerly Invitae), Labcorp
Classification: Uncertain significance for Glycogen storage disease due to muscle beta-enolase deficiency. Last evaluated: 2022-10-13. Review status: criteria provided, single submitter. Criteria: Invitae Variant Classification Sherloc (09022015). Collection method: clinical testing. Allele origin: germline.
Comment: In summary, the available evidence is currently insufficient to determine the role of this variant in disease. Therefore, it has been classified as a Variant of Uncertain Significance. This sequence change replaces aspartic acid, which is acidic and polar, with tyrosine, which is neutral and polar, at codon 51 of the ENO3 protein (p.Asp51Tyr). This variant is not present in population databases (gnomAD no frequency). This variant has not been reported in the literature in individuals affected with ENO3-related conditions. Advanced modeling of protein sequence and biophysical properties (such as structural, functional, and spatial information, amino acid conservation, physicochemical variation, residue mobility, and thermodynamic stability) performed at Invitae indicates that this missense variant is expected to disrupt ENO3 protein function.